The following is an entry in ClinVar:

ClinVar aggregate classification (germline): Benign (1 of 4 stars; one submission).

Allele frequency attached by ClinVar (database versions not stated): gnomAD 0.02823 and 0.03039; TOPMed 0.03169; 1000 Genomes Project 0.03215; 1000 Genomes Project 30x 0.03592.
gnomAD v4.1: 4,252 of 152,322 alleles (2.8%); highest among the groups gnomAD compares: African/African-American, 9.6%; 200 homozygotes.

Submission:

GeneDx
Classification: Benign. Last evaluated: 2018-06-14. Review status: criteria provided, single submitter. Criteria: GeneDx Variant Classification (06012015). Collection method: clinical testing. Allele origin: germline. Affected: yes.
Comment: This variant is considered likely benign or benign based on one or more of the following criteria: it is a conservative change, it occurs at a poorly conserved position in the protein, it is predicted to be benign by multiple in silico algorithms, and/or has population frequency not consistent with disease.

NM_018006.5(TRMU):c.249-208G>A

Gene: TRMU (tRNA mitochondrial 2-thiouridylase; plus strand). Cytogenetic location: 22q13.31.
Variant type: single nucleotide variant.
Coding change: c.249-208G>A on transcript NM_018006.5 (MANE Select); 208 bases into the intron before coding-DNA position 249, G replaced by A.
Molecular consequence: intron variant.
Genome position (GRCh38, 1-based): chr22:46,343,054, G>A. VCF-style: chr22-46343054-G-A. GRCh37 (hg19) VCF-style: chr22-46738951-G-A.
Other names: c.249-208G>A (NM_001282785.2); c.14-3368G>A (NM_001282782.2); c.-6-3368G>A (NM_001282783.2, NM_001282784.2).
Identifiers: ClinVar variation 684276 (VCV000684276.1), dbSNP rs12158624, ClinGen allele CA14978138.